The following is an entry in ClinVar:

ClinVar aggregate classification (germline): Benign/Likely benign. Review status: criteria provided, multiple submitters, no conflicts (2 of 4 stars). 3 submissions from 3 submitters: Benign (1); Likely benign (2). Last evaluated 2025-02-05.

Conditions:
Hereditary cancer-predisposing syndrome. Also called: Neoplastic Syndromes, Hereditary; Tumor predisposition; Hereditary Cancer Syndrome; Hereditary neoplastic syndrome. Identifiers: Orphanet 140162, MedGen C0027672, MeSH D009386, MONDO:0015356.
Familial adenomatous polyposis 1 (FAP1). Also called: FAMILIAL ADENOMATOUS POLYPOSIS 1, ATTENUATED; POLYPOSIS, ADENOMATOUS INTESTINAL. Identifiers: MedGen C2713442, MONDO:0021056, OMIM 175100. Disease mechanism: loss of function.

Allele frequency attached by ClinVar (database versions not stated): gnomAD exomes below 0.00001.
gnomAD v4.1: 1 of 1,614,130 alleles (0.000062%); highest among the groups gnomAD compares: East Asian, 0.0022%; no homozygotes.

Submissions (3):

Labcorp Genetics (formerly Invitae), Labcorp
Classification: Likely benign for Familial adenomatous polyposis 1. Last evaluated: 2025-02-05. Review status: criteria provided, single submitter. Criteria: Invitae Variant Classification Sherloc (09022015). Collection method: clinical testing. Allele origin: germline.

Myriad Genetics, Inc.
Classification: Benign for Familial adenomatous polyposis 1. Last evaluated: 2024-03-21. Review status: criteria provided, single submitter. Criteria: Myriad Autosomal Dominant, Autosomal Recessive and X-Linked Classification Criteria (2023). Collection method: clinical testing. Allele origin: unknown.
Comment: This variant is considered benign. This variant is a silent/synonymous amino acid change and it is not expected to impact splicing.

Ambry Genetics
Classification: Likely benign for Hereditary cancer-predisposing syndrome. Last evaluated: 2021-10-15. Review status: criteria provided, single submitter. Criteria: Ambry Variant Classification Scheme 2023. Collection method: clinical testing. Allele origin: germline.

NM_000038.6(APC):c.3549T>C (p.Tyr1183=)

Gene: APC (APC regulator of Wnt signaling pathway; plus strand). Cytogenetic location: 5q22.2.
Variant type: single nucleotide variant.
Coding change: c.3549T>C on transcript NM_000038.6 (MANE Select); coding-DNA position 3549, T replaced by C.
Protein change: p.Tyr1183=; no amino-acid change (tyrosine 1183 retained).
Molecular consequence: synonymous variant. On other transcripts: non-coding transcript variant (2).
Genome position (GRCh38, 1-based): chr5:112,839,143, T>C. VCF-style: chr5-112839143-T-C. GRCh37 (hg19) VCF-style: chr5-112174840-T-C.
Other names: c.3549T>C, p.Tyr1183= (NM_001407450.1, NM_001127510.3, NM_001354895.2); c.3528T>C, p.Tyr1176= (NM_001407451.1); c.3246T>C, p.Tyr1082= (NM_001407458.1, NM_001407459.1, NM_001354903.2 and 1 more transcripts); c.3519T>C, p.Tyr1173= (NM_001407452.1); c.3372T>C, p.Tyr1124= (NM_001407453.1, NM_001354901.2); c.3300T>C, p.Tyr1100= (NM_001407454.1, NM_001407455.1, NM_001407456.1 and 1 more transcripts); c.3495T>C, p.Tyr1165= (NM_001127511.3); c.3603T>C, p.Tyr1201= (NM_001354896.2, NM_001407447.1, NM_001407448.1 and 1 more transcripts); and 11 more.
Identifiers: ClinVar variation 1732547 (VCV001732547.7), dbSNP rs1561585641, ClinGen allele CA445963577.